The following is an entry in ClinVar:

NM_021930.6(RINT1):c.1194C>A (p.Phe398Leu)

Gene: RINT1 (RAD50 interactor 1; plus strand). Cytogenetic location: 7q22.3.
Variant type: single nucleotide variant.
Coding change: c.1194C>A on transcript NM_021930.6 (MANE Select); coding-DNA position 1194, C replaced by A.
Protein change: p.Phe398Leu; replaces phenylalanine 398 with leucine.
Molecular consequence: missense variant. On other transcripts: non-coding transcript variant (1).
Genome position (GRCh38, 1-based): chr7:105,550,347, C>A. VCF-style: chr7-105550347-C-A. GRCh37 (hg19) VCF-style: chr7-105190794-C-A.
Other names: c.960C>A, p.Phe320Leu (NM_001346599.2); c.171C>A, p.Phe57Leu (NM_001346600.2, NM_001346603.2); c.270C>A, p.Phe90Leu (NM_001346601.2); short protein forms F57L, F320L, F90L, F398L.
Identifiers: ClinVar variation 1745590 (VCV001745590.3), dbSNP rs775572395, ClinGen allele CA368809127.
Genomic context (GRCh38, chr7:105,550,347, plus strand): 5'-GCTGGTTCTTGAGAAGTTAGCCACTGATATTCCTTGTCTGCTATATGATGACAATCTCTT[C>A]TGTCATTTGGTGGATGAAGTACTCTTGTTTGAAAGGGAGCTACACAGTGTTCATGGCTAT-3'
Protein context (NP_068749.3, residues 388-408): IPCLLYDDNL[Phe398Leu]CHLVDEVLLF

ClinVar aggregate classification (germline): Uncertain significance (1 of 4 stars; one submission).

Allele frequency attached by ClinVar (database versions not stated): TOPMed below 0.00001.
gnomAD v4.1: 4 of 1,613,930 alleles (0.00025%); highest among the groups gnomAD compares: Non-Finnish European, 0.00034%; no homozygotes.

Submission:

Ambry Genetics
Classification: Uncertain significance. Last evaluated: 2024-10-29. Review status: criteria provided, single submitter. Criteria: Ambry Variant Classification Scheme 2023. Collection method: clinical testing. Allele origin: germline.
Comment: The p.F398L variant (also known as c.1194C>A), located in coding exon 9 of the RINT1 gene, results from a C to A substitution at nucleotide position 1194. The phenylalanine at codon 398 is replaced by leucine, an amino acid with highly similar properties. This amino acid position is conserved. In addition, the in silico prediction for this alteration is inconclusive. Since supporting evidence is limited at this time, the clinical significance of this alteration remains unclear.